The following is an entry in ClinVar:

NM_001114753.3(ENG):c.1548T>A (p.Cys516Ter)

Genes: ENG (endoglin; minus strand), LOC102723566 (uncharacterized LOC102723566; plus strand). Cytogenetic location: 9q34.11.
Variant type: single nucleotide variant.
Coding change: c.1548T>A on transcript NM_001114753.3 (MANE Select); coding-DNA position 1548, T replaced by A.
Protein change: p.Cys516Ter; replaces cysteine 516 with a stop codon.
Molecular consequence: nonsense.
Genome position (GRCh38, 1-based): chr9:127,818,258, A>T on the plus strand (T>A on the coding strand, the complement: ENG is on the minus strand). VCF-style: chr9-127818258-A-T. GRCh37 (hg19) VCF-style: chr9-130580537-A-T.
Other names: c.1548T>A, p.Cys516Ter (NM_000118.4); c.1002T>A, p.Cys334Ter (NM_001278138.2); short protein forms C334*, C516*.
Identifiers: ClinVar variation 4730625 (VCV004730625.1).

ClinVar aggregate classification (germline): Pathogenic (1 of 4 stars; one submission).

Conditions:
Hereditary hemorrhagic telangiectasia (HHT). Also called: ORW DISEASE; Osler Weber Rendu syndrome; OSLER-RENDU-WEBER DISEASE; Osler hemorrhagic telangiectasia syndrome. Identifiers: Orphanet 774, MedGen C0039445, MONDO:0019180. Disease mechanism: loss of function.

Submission:

Labcorp Genetics (formerly Invitae), Labcorp
Classification: Pathogenic for Hereditary hemorrhagic telangiectasia. Last evaluated: 2025-11-06. Review status: criteria provided, single submitter. Criteria: Invitae Variant Classification Sherloc (09022015). Collection method: clinical testing. Allele origin: germline.
Comment: This sequence change creates a premature translational stop signal (p.Cys516*) in the ENG gene. It is expected to result in an absent or disrupted protein product. Loss-of-function variants in ENG are known to be pathogenic (PMID: 15879500). This variant is not present in population databases (gnomAD no frequency). This variant has not been reported in the literature in individuals affected with ENG-related conditions. For these reasons, this variant has been classified as Pathogenic.

Literature cited by the submitters: PubMed 15879500.